The following is an entry in ClinVar:

NM_000219.6(KCNE1):c.281A>T (p.Tyr94Phe)

Gene: KCNE1 (potassium voltage-gated channel subfamily E regulatory subunit 1; minus strand). Cytogenetic location: 21q22.12.
Variant type: single nucleotide variant.
Coding change: c.281A>T on transcript NM_000219.6 (MANE Select); coding-DNA position 281, A replaced by T.
Protein change: p.Tyr94Phe; replaces tyrosine 94 with phenylalanine.
Molecular consequence: missense variant.
Genome position (GRCh38, 1-based): chr21:34,449,354, T>A on the plus strand (A>T on the coding strand, the complement: KCNE1 is on the minus strand). VCF-style: chr21-34449354-T-A. GRCh37 (hg19) VCF-style: chr21-35821652-T-A.
Other names: c.281A>T, p.Tyr94Phe (NM_001127668.4, NM_001127669.4, NM_001127670.4 and 4 more transcripts); short protein forms Y94F.
Identifiers: ClinVar variation 3374524 (VCV003374524.2).
Genomic context (GRCh38, chr21:34,449,354, plus strand): 5'-GCCAGATGGTTTTCAACGACATAGCACGACCTGTAGCTCTCCAGGACCCGGGCCTGGACA[T>A]AGGCCTTGTCCTTCTCTTGCCAGGCATCGGACTCGATGTAGACGTTGAATGGGTCGTTCG-3'
Protein context (NP_000210.2, residues 84-104): SDAWQEKDKA[Tyr94Phe]VQARVLESYR

Conditions:
Long QT syndrome 5 (LQT5). Identifiers: Orphanet 101016, Orphanet 768, MedGen C1867904, MONDO:0013372, OMIM 613695.

Submission:

Roden Lab, Vanderbilt University Medical Center
No classification provided (evidence only). Condition: Long QT syndrome 5. Review status: no classification provided. Collection method: in vitro. Allele origin: not applicable. Functional consequence: Effect on ion channel function.
ClinVar note: "not provided" was previously submitted as the classification for the variant. However, the classification appeared to be based only on an observation of functional data so it was converted to no classification on 2025-07-30.